The following is an entry in ClinVar:

ClinVar aggregate classification (germline): Uncertain significance (1 of 4 stars; one submission).

Conditions:
Inborn genetic diseases. Identifiers: MedGen C0950123, MeSH D030342.

Submission:

Ambry Genetics
Classification: Uncertain significance for Inborn genetic diseases. Last evaluated: 2026-05-12. Review status: criteria provided, single submitter. Criteria: Ambry Variant Classification Scheme 2023. Collection method: clinical testing. Allele origin: germline.
Comment: The c.716C>A (p.A239E) alteration is located in exon 4 (coding exon 3) of the SCNN1G gene. This alteration results from a C to A substitution at nucleotide position 716, causing the alanine (A) at amino acid position 239 to be replaced by a glutamic acid (E). Based on data from gnomAD, the A allele has an overall frequency of <0.001% (1/251416) total alleles studied. The highest observed frequency was 0.001% (1/113698) of European (non-Finnish) alleles. Based on insufficient or conflicting evidence, the clinical significance of this alteration remains unclear.

NM_001039.4(SCNN1G):c.716C>A (p.Ala239Glu)

Gene: SCNN1G (sodium channel epithelial 1 subunit gamma; plus strand). Cytogenetic location: 16p12.2.
Variant type: single nucleotide variant.
Coding change: c.716C>A on transcript NM_001039.4 (MANE Select); coding-DNA position 716, C replaced by A.
Protein change: p.Ala239Glu; replaces alanine 239 with glutamic acid.
Molecular consequence: missense variant.
Genome position (GRCh38, 1-based): chr16:23,192,449, C>A. VCF-style: chr16-23192449-C-A. GRCh37 (hg19) VCF-style: chr16-23203770-C-A.
Other names: short protein forms A239E.
Identifiers: ClinVar variation 4864192 (VCV004864192.1).
Genomic context (GRCh38, chr16:23,192,449, plus strand): 5'-TCAGCTCGGGAATCAATGCCATTCAGGAGTGGTATAAGCTACACTACATGAACATCATGG[C>A]ACAGGTGCCTCTGGAGAAGAAAATCAACATGAGCTATTCTGCTGAGGAGCTGCTGGTGAC-3'
Protein context (NP_001030.2, residues 229-249): WYKLHYMNIM[Ala239Glu]QVPLEKKINM